The following is an entry in ClinVar:

NM_001378609.3(OTOGL):c.5273C>T (p.Pro1758Leu)

Gene: OTOGL (otogelin like; plus strand). Cytogenetic location: 12q21.31.
Variant type: single nucleotide variant.
Coding change: c.5273C>T on transcript NM_001378609.3 (MANE Select); coding-DNA position 5273, C replaced by T.
Protein change: p.Pro1758Leu; replaces proline 1758 with leucine.
Molecular consequence: missense variant.
Genome position (GRCh38, 1-based): chr12:80,352,302, C>T. VCF-style: chr12-80352302-C-T. GRCh37 (hg19) VCF-style: chr12-80746082-C-T.
Other names: c.5138C>T, p.Pro1713Leu (NM_001368062.3); c.5273C>T, p.Pro1758Leu (NM_001378610.3, NM_173591.7); short protein forms P1749L, P1713L, P1758L.
Identifiers: ClinVar variation 667301 (VCV000667301.11), dbSNP rs372958953, ClinGen allele CA6701668.

ClinVar aggregate classification (germline): Uncertain significance. Review status: criteria provided, multiple submitters, no conflicts (2 of 4 stars). 5 submissions from 5 submitters: Uncertain significance (5). Last evaluated 2026-06-12.

Conditions:
Inborn genetic diseases. Identifiers: MedGen C0950123, MeSH D030342.

Allele frequency attached by ClinVar (database versions not stated): ESP Exome Variant Server 0.00008; gnomAD 0.00012; 1000 Genomes Project 30x 0.00016; 1000 Genomes Project 0.00020; ExAC 0.00022; TOPMed 0.00022; gnomAD exomes 0.00023.
gnomAD v4.1: 108 of 1,606,362 alleles (0.0067%); highest among the groups gnomAD compares: Admixed American, 0.086%; no homozygotes.

Submissions (5):

GeneDx
Classification: Uncertain significance. Last evaluated: 2026-06-12. Review status: criteria provided, single submitter. Criteria: GeneDx Variant Classification Process June 2021. Collection method: clinical testing. Allele origin: germline.
Comment: In silico analysis supports that this missense variant has a deleterious effect on protein structure/function; Has not been previously published as pathogenic or benign to our knowledge

Ambry Genetics
Classification: Uncertain significance for Inborn genetic diseases. Last evaluated: 2024-04-15. Review status: criteria provided, single submitter. Criteria: Ambry Variant Classification Scheme 2023. Collection method: clinical testing. Allele origin: germline.

Blueprint Genetics
Classification: Uncertain significance. Last evaluated: 2023-10-20. Review status: criteria provided, single submitter. Criteria: ACMG Guidelines, 2015. Collection method: clinical testing. Allele origin: germline.

Labcorp Genetics (formerly Invitae), Labcorp
Classification: Uncertain significance. Last evaluated: 2021-12-18. Review status: criteria provided, single submitter. Criteria: Invitae Variant Classification Sherloc (09022015). Collection method: clinical testing. Allele origin: germline.
Comment: This sequence change replaces proline, which is neutral and non-polar, with leucine, which is neutral and non-polar, at codon 1749 of the OTOGL protein (p.Pro1749Leu). This variant is present in population databases (rs372958953, gnomAD 0.1%). This variant has not been reported in the literature in individuals affected with OTOGL-related conditions. ClinVar contains an entry for this variant (Variation ID: 667301). Algorithms developed to predict the effect of missense changes on protein structure and function are either unavailable or do not agree on the potential impact of this missense change (SIFT: "Deleterious"; PolyPhen-2: "Probably Damaging"; Align-GVGD: "Class C0"). In summary, the available evidence is currently insufficient to determine the role of this variant in disease. Therefore, it has been classified as a Variant of Uncertain Significance.

Laboratory for Molecular Medicine, Mass General Brigham Personalized Medicine
Classification: Uncertain significance. Last evaluated: 2018-05-01. Review status: criteria provided, single submitter. Criteria: LMM Criteria. Collection method: clinical testing. Allele origin: germline. Observed: 1 variant allele.
Comment: Variant classified as Uncertain Significance - Favor Benign. The p.Pro1749Leu va riant in OTOGL has not been previously reported in individuals with hearing loss . This variant has been identified in 0.12% (39/32624) of Latino chromosomes by the Genome Aggregation Database (gnomAD; dbSNP rs372958953). Although this variant has been seen in the general population, it s frequency is not high enough to rule out a pathogenic role. Computational pred iction tools and conservation analysis suggest that the p.Pro1749Leu variant may impact the protein, though this information is not predictive enough to determi ne pathogenicity. In summary, although the clinical significance of the p.Pro174 9Leu variant is uncertain, we would favor a benign interpretation based on the p opulation frequency. ACMG/AMP Criteria applied: PP3, BS1_Supporting